The following is an entry in ClinVar:

NM_001002030.2(ECHDC1):c.498-40AG[2]

Gene: ECHDC1 (ethylmalonyl-CoA decarboxylase 1; minus strand). Cytogenetic location: 6q22.33.
Variant type: Microsatellite.
Coding change: c.498-40AG[2] on transcript NM_001002030.2 (MANE Select); two copies in a row of the 2-base unit AG starting at c.498-40; the reference has four copies in a row; two copies, 4 bases deleted.
Molecular consequence: intron variant.
Genome position (GRCh38, 1-based): chr6:127,290,310-127,290,313, CTCT deleted on the plus strand (AGAG on the coding strand, the reverse complement: ECHDC1 is on the minus strand); deleting any 4 consecutive bases within chr6:127,290,310-127,290,317 gives the same sequence; the position shown is the placement nearest the transcript's 3' end. VCF-style (leftmost placement, unchanged base first): chr6-127290309-ACTCT-A. GRCh37 (hg19) VCF-style: chr6-127611454-ACTCT-A.
Other names: c.*7-40AG[2] (NM_001105545.2, NM_018479.4); c.273-40AG[2] (NM_001105544.2); c.516-40AG[2] (NM_001139510.2).
Identifiers: ClinVar variation 978064 (VCV000978064.2), dbSNP rs770887258, ClinGen allele CA1662176697.
Genomic context (GRCh38, chr6:127,290,309, plus strand): 5'-ATCTGATCTTACTCTCTGGAGTCATTAACCTGTAAAAGAAAAAAGAAAAGCTTAATTGTA[ACTCT>A]CTCTGTATGCTCTAATCATAAAGTACTATCCATTCATGATCTGATGTGAATTCTCCATAG-3'

ClinVar aggregate classification (germline): Likely pathogenic (1 of 4 stars; one submission).

Conditions:
Deficiency of butyryl-CoA dehydrogenase (ACADSD). Also called: SCAD Deficiency; SCADH DEFICIENCY; SCAD DEFICIENCY, MILD; ACYL-CoA DEHYDROGENASE, SHORT-CHAIN, DEFICIENCY OF; ACADS DEFICIENCY; Short-Chain Acyl-CoA Dehydrogenase Deficiency. Identifiers: Orphanet 26792, MedGen C0342783, MONDO:0008722, OMIM 201470. Disease mechanism: May be benign.

Submission:

Research Unit for Molecular Medicine, Department for Clinical Medicine, Aarhus University
Classification: Likely pathogenic for Deficiency of butyryl-CoA dehydrogenase. Last evaluated: 2019-09-12. Review status: criteria provided, single submitter. Criteria: ACMG Guidelines, 2015. Collection method: research. Allele origin: unknown. Inheritance: Oligogenic inheritance. Affected: yes. Observed: 1 variant allele, 1 heterozygote.
Comment: ECHDC1 encodes a 'metabolite repair enzyme' detoxifying ethylmalonic acid (EMA), which is the biochemical hallmark of short-chain acyl-CoA dehydrogenase deficiency (OMIM:201470), caused by biallelic ACADS variants. We provide functional evidence that ECHDC1 c.498-36_498-33del4bp is a loss-of function (LOF) variant. The variant was identified in the heterozygous state together with a heterozygous ACADS NM_000017.2: c.625G>A susceptibility variant. We provide functional evidence that ECHDC1 haploinsufficiency in combination with ACADS c.625G>A susceptibility variants has a synergistic effect on cellular EMA levels. In a cohort of 82 genetically unsolved EMA patients, we found three unrelated cases with heterozygous LOF ECHDC1 variants combined with ACADS c.625G>A suceptibility variants.